The following is an entry in ClinVar:

NM_024876.4(COQ8B):c.983G>C (p.Gly328Ala)

Gene: COQ8B (coenzyme Q8B; minus strand). Cytogenetic location: 19q13.2.
Variant type: single nucleotide variant.
Coding change: c.983G>C on transcript NM_024876.4 (MANE Select); coding-DNA position 983, G replaced by C.
Protein change: p.Gly328Ala; replaces glycine 328 with alanine.
Molecular consequence: missense variant.
Genome position (GRCh38, 1-based): chr19:40,700,362, C>G on the plus strand (G>C on the coding strand, the complement: COQ8B is on the minus strand). VCF-style: chr19-40700362-C-G. GRCh37 (hg19) VCF-style: chr19-41206267-C-G.
Other names: c.860G>C, p.Gly287Ala (NM_001142555.3); short protein forms G287A, G328A.
Identifiers: ClinVar variation 3766286 (VCV003766286.1).

ClinVar aggregate classification (germline): Uncertain significance (1 of 4 stars; one submission).

Submission:

GeneDx
Classification: Uncertain significance. Last evaluated: 2024-08-27. Review status: criteria provided, single submitter. Criteria: GeneDx Variant Classification Process June 2021. Collection method: clinical testing. Allele origin: germline. Affected: yes.
Comment: Not observed at significant frequency in large population cohorts (gnomAD); In silico analysis indicates that this missense variant does not alter protein structure/function; Has not been previously published as pathogenic or benign to our knowledge